The following is an entry in ClinVar:

NM_000152.5(GAA):c.1225dup (p.Asp409fs)

Gene: GAA (alpha glucosidase; plus strand). Cytogenetic location: 17q25.3.
Variant type: Duplication.
Coding change: c.1225dup on transcript NM_000152.5 (MANE Select); coding-DNA position 1225, one base duplicated (G; older notation c.1225dupG).
Protein change: p.Asp409fs; shifts the reading frame from aspartic acid 409.
Molecular consequence: frameshift variant.
Genome position (GRCh38, 1-based): chr17:80,108,727, G duplicated; the last of 2 consecutive G bases (chr17:80,108,726-80,108,727); duplicating either gives the same sequence. VCF-style (leftmost placement, unchanged base first): chr17-80108725-T-TG. GRCh37 (hg19) VCF-style: chr17-78082524-T-TG.
Other names: c.1225dup, p.Asp409fs (NM_001079803.3, NM_001079804.3); short protein forms D409fs.
Identifiers: ClinVar variation 952134 (VCV000952134.17), dbSNP rs2039157751, ClinGen allele CA923726362.

ClinVar aggregate classification (germline): Pathogenic. Review status: criteria provided, multiple submitters, no conflicts (2 of 4 stars). 5 submissions from 5 submitters: Pathogenic (4). 1 of the submissions does not count toward it. Last evaluated 2026-07-01.

Conditions:
Glycogen storage disease, type II (IOPD). Also called: CARDIOMEGALIA GLYCOGENICA DIFFUSA; Pompe Disease; Glycogen storage disease type 2; Acid maltase deficiency disease; Aglucosidase alfa; Deficiency of alpha-glucosidase. Identifiers: Orphanet 365, MedGen C0017921, MONDO:0009290, OMIM 232300.

Submissions (5):

Genomenon, Inc
Classification: Pathogenic for Glycogen storage disease, type II. Last evaluated: 2026-07-01. Review status: criteria provided, single submitter. Criteria: Genomenon Sequence Variant Interpretation Standards - Updated. Collection method: curation. Allele origin: germline. Affected: yes.
Comment: GAA p.Asp409GlyfsTer97 (c.1225dup) is a frameshift variant that is predicted to introduce a premature termination codon and result in a truncated or absent protein product. This variant has been observed in at least one proband with a GAA-related disorder (PMID:37087815). It is absent or not present at a significant frequency in gnomAD. In conclusion, we classify GAA p.Asp409GlyfsTer97 (c.1225dup) as a pathogenic variant.

Myriad Genetics, Inc.
Classification: Pathogenic for Glycogen storage disease, type II. Last evaluated: 2024-01-25. Review status: criteria provided, single submitter. Criteria: Myriad Autosomal Dominant, Autosomal Recessive and X-Linked Classification Criteria (2023). Collection method: clinical testing. Allele origin: unknown.
Comment: NM_000152.3(GAA):c.1225dupG(D409Gfs*97) is expected to be pathogenic in the context of Pompe disease. This variant is predicted to lead to an abnormal or absent protein product due to the creation of a premature termination codon in GAA, a gene where loss-of-function variants are known to be pathogenic. Please note: this variant was assessed in the context of healthy population screening.

Revvity Omics, Revvity
Classification: Pathogenic. Last evaluated: 2021-05-11. Review status: criteria provided, single submitter. Criteria: ACMG Guidelines, 2015. Collection method: clinical testing. Allele origin: germline.

Labcorp Genetics (formerly Invitae), Labcorp
Classification: Pathogenic for Glycogen storage disease, type II. Last evaluated: 2019-05-30. Review status: criteria provided, single submitter. Criteria: Invitae Variant Classification Sherloc (09022015). Collection method: clinical testing. Allele origin: germline.
Comment: For these reasons, this variant has been classified as Pathogenic. Loss-of-function variants in GAA are known to be pathogenic (PMID: 18425781, 22252923). This variant has not been reported in the literature in individuals with GAA-related conditions. This variant is not present in population databases (ExAC no frequency). This sequence change creates a premature translational stop signal (p.Asp409Glyfs*97) in the GAA gene. It is expected to result in an absent or disrupted protein product.

Natera, Inc.
Classification: Pathogenic for Glycogen storage disease type II. Last evaluated: 2021-08-16. Review status: no assertion criteria provided. Collection method: clinical testing. Allele origin: germline. Not counted in ClinVar's aggregate classification.

Literature cited by the submitters: PubMed 37087815 (cited by Genomenon, Inc); PubMed 18425781 (cited by Labcorp Genetics (formerly Invitae), Labcorp); PubMed 22252923 (cited by Labcorp Genetics (formerly Invitae), Labcorp).